The following is an entry in ClinVar:

NM_025265.4(TSEN2):c.272-4C>G

Gene: TSEN2 (tRNA splicing endonuclease subunit 2; plus strand). Cytogenetic location: 3p25.2.
Variant type: single nucleotide variant.
Coding change: c.272-4C>G on transcript NM_025265.4 (MANE Select); 4 bases into the intron before coding-DNA position 272, C replaced by G.
Molecular consequence: intron variant.
Genome position (GRCh38, 1-based): chr3:12,496,514, C>G. VCF-style: chr3-12496514-C-G. GRCh37 (hg19) VCF-style: chr3-12538013-C-G.
Other names: c.272-4C>G (NM_001321278.2, NM_001321279.2, NM_001145392.2 and 3 more transcripts).
Identifiers: ClinVar variation 160110 (VCV000160110.59), dbSNP rs41293385, ClinGen allele CA173683.

ClinVar aggregate classification (germline): Benign/Likely benign. Review status: criteria provided, multiple submitters, no conflicts (2 of 4 stars). 7 submissions from 7 submitters: Benign (2); Likely benign (5). Last evaluated 2026-02-02.

Conditions:
Pontoneocerebellar hypoplasia. Also called: Pontocerebellar hypoplasia; Non-syndromic pontocerebellar hypoplasia. Identifiers: Orphanet 98523, MedGen C1261175, MONDO:0020135.

Allele frequency attached by ClinVar (database versions not stated): 1000 Genomes Project 30x 0.00094; 1000 Genomes Project 0.00100; TOPMed 0.00277; gnomAD 0.00354 and 0.00369; ESP Exome Variant Server 0.00400; gnomAD exomes 0.00409 and 0.00551; ExAC 0.00437.

Submissions (7):

Labcorp Genetics (formerly Invitae), Labcorp
Classification: Benign. Last evaluated: 2026-02-02. Review status: criteria provided, single submitter. Criteria: Invitae Variant Classification Sherloc (09022015). Collection method: clinical testing. Allele origin: germline.

CeGaT Center for Human Genetics Tuebingen
Classification: Likely benign. Last evaluated: 2025-09-01. Review status: criteria provided, single submitter. Criteria: CeGaT Center For Human Genetics Tuebingen Variant Classification Criteria Version 2. Collection method: clinical testing. Allele origin: germline. Affected: yes. Observed: 6 variant alleles.
Comment: TSEN2: BP4, BS2

Blueprint Genetics
Classification: Likely benign. Last evaluated: 2024-11-18. Review status: criteria provided, single submitter. Criteria: ACMG Guidelines, 2015. Collection method: clinical testing. Allele origin: germline.

Illumina Laboratory Services, Illumina
Classification: Likely benign for Pontoneocerebellar hypoplasia. Last evaluated: 2018-01-13. Review status: criteria provided, single submitter. Criteria: ICSL Variant Classification Criteria 13 December 2019. Collection method: clinical testing. Allele origin: germline.
Comment: This variant was observed in the ICSL laboratory as part of a predisposition screen in an ostensibly healthy population. It had not been previously curated by ICSL or reported in the Human Gene Mutation Database (HGMD: prior to June 1st, 2018), and was therefore a candidate for classification through an automated scoring system. Utilizing variant allele frequency, disease prevalence and penetrance estimates, and inheritance mode, an automated score was calculated to assess if this variant is too frequent to cause the disease. Based on the score and internal cut-off values, a variant classified as likely benign is not then subjected to further curation. The score for this variant resulted in a classification of likely benign for this disease.

Center for Pediatric Genomic Medicine, Children's Mercy Hospital and Clinics
Classification: Likely benign. Last evaluated: 2016-04-22. Review status: criteria provided, single submitter. Criteria: ACMG Guidelines, 2015. Collection method: clinical testing. Allele origin: germline.
ClinVar note: Converted during submission from Likely Benign to Likely benign.

GeneDx
Classification: Benign. Last evaluated: 2015-03-03. Review status: criteria provided, single submitter. Criteria: GeneDx Variant Classification Process June 2021. Collection method: clinical testing. Allele origin: germline. Affected: yes.

Genetic Services Laboratory, University of Chicago
Classification: Likely benign. Last evaluated: 2013-12-06. Review status: criteria provided, single submitter. Criteria: ACMG Guidelines, 2007. Collection method: clinical testing. Allele origin: germline. Inheritance: Autosomal recessive inheritance.